The following is an entry in ClinVar:

NM_001080449.3(DNA2):c.677A>G (p.His226Arg)

Gene: DNA2 (DNA replication helicase/nuclease 2; minus strand). Cytogenetic location: 10q21.3.
Variant type: single nucleotide variant.
Coding change: c.677A>G on transcript NM_001080449.3 (MANE Select); coding-DNA position 677, A replaced by G.
Protein change: p.His226Arg; replaces histidine 226 with arginine.
Molecular consequence: missense variant. On other transcripts: non-coding transcript variant (1).
Genome position (GRCh38, 1-based): chr10:68,459,146, T>C on the plus strand (A>G on the coding strand, the complement: DNA2 is on the minus strand). VCF-style: chr10-68459146-T-C. GRCh37 (hg19) VCF-style: chr10-70218903-T-C.
Other names: c.677A>G (NM_001080449.2); short protein forms H226R.
Identifiers: ClinVar variation 1524511 (VCV001524511.9), dbSNP rs761165705, ClinGen allele CA5525243.

ClinVar aggregate classification (germline): Uncertain significance. Review status: criteria provided, multiple submitters, no conflicts (2 of 4 stars). 2 submissions from 2 submitters: Uncertain significance (2). Last evaluated 2025-03-07.

Allele frequency attached by ClinVar (database versions not stated): gnomAD 0.00001 and 0.00004; TOPMed 0.00002; gnomAD exomes 0.00005 and 0.00010; ExAC 0.00026.
gnomAD v4.1: 75 of 1,598,876 alleles (0.0047%); highest among the groups gnomAD compares: South Asian, 0.076%; 1 homozygote.

Submissions (2):

GeneDx
Classification: Uncertain significance. Last evaluated: 2025-03-07. Review status: criteria provided, single submitter. Criteria: GeneDx Variant Classification Process June 2021. Collection method: clinical testing. Allele origin: germline. Affected: yes.
Comment: Has not been previously published as pathogenic or benign to our knowledge; In silico analysis indicates that this missense variant does not alter protein structure/function

Labcorp Genetics (formerly Invitae), Labcorp
Classification: Uncertain significance. Last evaluated: 2023-12-18. Review status: criteria provided, single submitter. Criteria: Invitae Variant Classification Sherloc (09022015). Collection method: clinical testing. Allele origin: germline.
Comment: This sequence change replaces histidine, which is basic and polar, with arginine, which is basic and polar, at codon 226 of the DNA2 protein (p.His226Arg). This variant is present in population databases (rs761165705, gnomAD 0.08%). This variant has not been reported in the literature in individuals affected with DNA2-related conditions. ClinVar contains an entry for this variant (Variation ID: 1524511). Advanced modeling of protein sequence and biophysical properties (such as structural, functional, and spatial information, amino acid conservation, physicochemical variation, residue mobility, and thermodynamic stability) performed at Invitae indicates that this missense variant is not expected to disrupt DNA2 protein function with a negative predictive value of 80%. In summary, the available evidence is currently insufficient to determine the role of this variant in disease. Therefore, it has been classified as a Variant of Uncertain Significance.